The following is an entry in ClinVar:

ClinVar aggregate classification (germline): Uncertain significance (1 of 4 stars; one submission).

Allele frequency attached by ClinVar (database versions not stated): gnomAD exomes below 0.00001.
gnomAD v4.1: 3 of 1,612,642 alleles (0.00019%); highest among the groups gnomAD compares: African/African-American, 0.0027%; no homozygotes.

Submission:

GeneDx
Classification: Uncertain significance. Last evaluated: 2022-04-01. Review status: criteria provided, single submitter. Criteria: GeneDx Variant Classification Process June 2021. Collection method: clinical testing. Allele origin: germline. Affected: yes.
Comment: Not observed at significant frequency in large population cohorts (gnomAD); In silico analysis supports that this missense variant has a deleterious effect on protein structure/function; Has not been previously published as pathogenic or benign to our knowledge

NM_001317778.2(SFTPC):c.527G>A (p.Gly176Asp)

Gene: SFTPC (surfactant protein C; plus strand). Cytogenetic location: 8p21.3.
Variant type: single nucleotide variant.
Coding change: c.527G>A on transcript NM_001317778.2 (MANE Select); coding-DNA position 527, G replaced by A.
Protein change: p.Gly176Asp; replaces glycine 176 with aspartic acid.
Molecular consequence: missense variant.
Genome position (GRCh38, 1-based): chr8:22,163,992, G>A. VCF-style: chr8-22163992-G-A. GRCh37 (hg19) VCF-style: chr8-22021505-G-A.
Other names: c.527G>A, p.Gly176Asp (NM_001172357.2, NM_001317780.2, NM_001385656.1 and 3 more transcripts); c.545G>A, p.Gly182Asp (NM_001172410.2, NM_001385653.1, NM_001385654.1 and 2 more transcripts); c.386G>A, p.Gly129Asp (NM_001317779.2, NM_001385660.1); short protein forms G129D, G176D, G182D.
Identifiers: ClinVar variation 1708000 (VCV001708000.2), dbSNP rs2538948993, ClinGen allele CA370538405.